The following is an entry in ClinVar:

NM_004183.4(BEST1):c.908A>T (p.Asp303Val)

Gene: BEST1 (bestrophin 1; plus strand). Cytogenetic location: 11q12.3.
Variant type: single nucleotide variant.
Coding change: c.908A>T on transcript NM_004183.4 (MANE Select); coding-DNA position 908, A replaced by T.
Protein change: p.Asp303Val; replaces aspartic acid 303 with valine.
Molecular consequence: missense variant. On other transcripts: non-coding transcript variant (1), intron variant (1).
Genome position (GRCh38, 1-based): chr11:61,959,538, A>T. VCF-style: chr11-61959538-A-T. GRCh37 (hg19) VCF-style: chr11-61727010-A-T.
Other names: c.728A>T, p.Asp243Val (NM_001139443.3, NM_001300787.2); c.590A>T, p.Asp197Val (NM_001363591.3); c.1111A>T, p.Met371Leu (NM_001363592.2); c.-65A>T (NM_001363593.3); c.688-354A>T (NM_001300786.2); short protein forms D243V, D197V, D303V, M371L.
Identifiers: ClinVar variation 812233 (VCV000812233.2), dbSNP rs1591301548, ClinGen allele CA380843911.

ClinVar aggregate classification (germline): Pathogenic. Review status: criteria provided, single submitter (1 of 4 stars). 2 submissions from 2 submitters: Pathogenic (1). 1 of the submissions does not count toward it. Last evaluated 2025-05-05.

Conditions:
Autosomal dominant vitreoretinochoroidopathy. Also called: VITREORETINOCHOROIDOPATHY, AUTOSOMAL DOMINANT, WITH NANOPHTHALMOS; Autosomal Dominant Vitreoretinochoroidopathy (ADVIRC); VITREORETINOCHOROIDOPATHY WITH MICROCORNEA, GLAUCOMA, AND CATARACT. Identifiers: Orphanet 263347, Orphanet 3086, MedGen C3888099, MONDO:0008662, OMIM 193220.
Vitelliform macular dystrophy 2. Also called: Best vitelliform macular dystrophy, multifocal; Best Macular Dystrophy; Best Vitelliform Macular Dystrophy (BVMD); MACULAR DEGENERATION, POLYMORPHIC VITELLINE; VITELLIFORM MACULAR DYSTROPHY, EARLY-ONSET; VITELLIFORM MACULAR DYSTROPHY, JUVENILE-ONSET. Identifiers: Orphanet 1243, MedGen C2745945, MONDO:0007931, OMIM 153700.

Submissions (2):

Genomics, Clalit Research Institute, Clalit Health Care
Classification: Pathogenic for Autosomal dominant vitreoretinochoroidopathy. Last evaluated: 2025-05-05. Review status: criteria provided, single submitter. Criteria: ACMG Guidelines, 2015. Collection method: clinical testing. Allele origin: germline. Inheritance: Autosomal dominant inheritance. Affected: yes. Observed: 1 heterozygote.
Comment: Notice: This variant is registered as a Founder Variant in the Arab Muslim population by the IMGD. Frequency: The variant is absent from the gnomAD reference population dataset. Frequency among cases: This variant was previously described in individuals with Autosomal dominant Best disease (PMID: 10854112). Segregation: The variant is segregated with disease in multiple affected family members in a gene definitively known to cause disease (PMID: 10854112). Variant site: Located in a mutational hot spot and/or critical and well-established functional domain (e.g. active site of enzyme) without benign variation. Variant type: The variant is a novel missense change at an amino acid residue where a different missense change determined to be pathogenic has been seen before (ClinVar VCV000099777.6) Prediction tools: REVEL predicts a deleterious effect on the gene or gene product (score 0.99).

Sharon lab, Hadassah-Hebrew University Medical Center
Classification: Pathogenic for Best disease. Last evaluated: 2019-06-23. Review status: no assertion criteria provided. Collection method: research. Allele origin: inherited. Affected: yes. Not counted in ClinVar's aggregate classification.